The following is an entry in ClinVar:

NM_001394998.1(TANC2):c.2747C>T (p.Ser916Phe)

Genes: TANC2 (tetratricopeptide repeat, ankyrin repeat and coiled-coil containing 2; plus strand), LOC105371856 (uncharacterized LOC105371856; minus strand). Cytogenetic location: 17q23.3.
Variant type: single nucleotide variant.
Coding change: c.2747C>T on transcript NM_001394998.1 (MANE Select); coding-DNA position 2747, C replaced by T.
Protein change: p.Ser916Phe; replaces serine 916 with phenylalanine.
Molecular consequence: missense variant.
Genome position (GRCh38, 1-based): chr17:63,388,690, C>T. VCF-style: chr17-63388690-C-T. GRCh37 (hg19) VCF-style: chr17-61466051-C-T.
Other names: c.2525C>T, p.Ser842Phe (NM_001411076.1, NM_025185.4); short protein forms S842F, S916F.
Identifiers: ClinVar variation 3025682 (VCV003025682.22), dbSNP rs186712546, ClinGen allele CA8697834.
Genomic context (GRCh38, chr17:63,388,690, plus strand): 5'-TTCAGGGTTTGAGTAAAAAAGTTGGTGTATCATCCTCCATCCTCCAAGGTCTCTGGATCT[C>T]TTATAGCACAGAAGGTCTTTCCATGGCACTGGCGTCTTTACGAAATCTCTACACTCCAAA-3'
Protein context (NP_001381927.1, residues 906-926): SSSILQGLWI[Ser916Phe]YSTEGLSMAL

ClinVar aggregate classification (germline): Likely benign (1 of 4 stars; one submission).

Allele frequency attached by ClinVar (database versions not stated): 1000 Genomes Project 30x 0.00031; gnomAD 0.00031; gnomAD exomes 0.00033; 1000 Genomes Project 0.00040; TOPMed 0.00040; ExAC 0.00048; ESP Exome Variant Server 0.00050.
gnomAD v4.1: 539 of 1,605,458 alleles (0.034%); highest among the groups gnomAD compares: Admixed American, 0.068%; 1 homozygote.

Submission:

CeGaT Center for Human Genetics Tuebingen
Classification: Likely benign. Last evaluated: 2025-05-01. Review status: criteria provided, single submitter. Criteria: CeGaT Center For Human Genetics Tuebingen Variant Classification Criteria Version 2. Collection method: clinical testing. Allele origin: germline. Affected: yes. Observed: 4 variant alleles.
Comment: TANC2: BP1, BS1